The following is an entry in ClinVar:

ClinVar aggregate classification (germline): Pathogenic (3 of 4 stars; one submission).

Conditions:
Breast-ovarian cancer, familial, susceptibility to, 2 (BROVCA2). Also called: BRCA2 Hereditary Breast and Ovarian Cancer. Identifiers: Orphanet 145, MedGen C2675520, MONDO:0012933, OMIM 612555. Disease mechanism: loss of function.

Submission:

Evidence-based Network for the Interpretation of Germline Mutant Alleles (ENIGMA)
Classification: Pathogenic for Breast-ovarian cancer, familial, susceptibility to, 2. Last evaluated: 2016-09-08. Review status: reviewed by expert panel. Criteria: ENIGMA BRCA1/2 Classification Criteria (2015). Collection method: curation. Allele origin: germline.
Comment: Variant allele predicted to encode a truncated non-functional protein.

NM_000059.4(BRCA2):c.6092del (p.Thr2031fs)

Gene: BRCA2 (BRCA2 DNA repair associated; plus strand). Cytogenetic location: 13q13.1.
Variant type: Deletion.
Coding change: c.6092del on transcript NM_000059.4 (MANE Select); coding-DNA position 6092, one base deleted (C; older notation c.6092delC).
Protein change: p.Thr2031fs; shifts the reading frame from threonine 2031.
Molecular consequence: frameshift variant.
Genome position (GRCh38, 1-based): chr13:32,340,447, C deleted. VCF-style (leftmost placement, unchanged base first): chr13-32340446-AC-A. GRCh37 (hg19) VCF-style: chr13-32914583-AC-A.
Other names: c.6092delC (NM_000059.3); short protein forms T2031fs.
Identifiers: ClinVar variation 254573 (VCV000254573.2), dbSNP rs886038138, ClinGen allele CA10586550.
Genomic context (GRCh38, chr13:32,340,446, plus strand): 5'-TTTTCCAAAGTATTGTTTAAAAGTAACGAACATTCAGACCAGCTCACAAGAGAAGAAAAT[AC>A]TGCTATACGTACTCCAGAACATTTAATATCCCAAAAAGGCTTTTCATATAATGTGGTAAA-3'